The following is an entry in ClinVar:

NM_000138.5(FBN1):c.5680G>A (p.Glu1894Lys)

Gene: FBN1 (fibrillin 1; minus strand). Cytogenetic location: 15q21.1.
Variant type: single nucleotide variant.
Coding change: c.5680G>A on transcript NM_000138.5 (MANE Select); coding-DNA position 5680, G replaced by A.
Protein change: p.Glu1894Lys; replaces glutamic acid 1894 with lysine.
Molecular consequence: missense variant.
Genome position (GRCh38, 1-based): chr15:48,446,814, C>T on the plus strand (G>A on the coding strand, the complement: FBN1 is on the minus strand). VCF-style: chr15-48446814-C-T. GRCh37 (hg19) VCF-style: chr15-48739011-C-T.
Other names: short protein forms E1894K.
Identifiers: ClinVar variation 381610 (VCV000381610.10), dbSNP rs1057521101, ClinGen allele CA16607803.

ClinVar aggregate classification (germline): Pathogenic/Likely pathogenic. Review status: criteria provided, multiple submitters, no conflicts (2 of 4 stars). 5 submissions from 5 submitters: Pathogenic (1); Likely pathogenic (3). 1 of the submissions does not count toward it. Last evaluated 2025-08-17.

Conditions:
Familial thoracic aortic aneurysm and aortic dissection (TAAD). Also called: Thoracic aortic aneurysms and dissections. Identifiers: Orphanet 91387, MedGen C4707243, MONDO:0019625.
Marfan syndrome (MFS). Also called: Marfan syndrome, classic; Marfan syndrome type 1; Marfan's syndrome; MARFAN SYNDROME, TYPE I; FBN1-Related Marfan Syndrome. Identifiers: Orphanet 284963, Orphanet 558, MedGen C0024796, MONDO:0007947, OMIM 154700.

Submissions (5):

Labcorp Genetics (formerly Invitae), Labcorp
Classification: Pathogenic for Marfan syndrome; Familial thoracic aortic aneurysm and aortic dissection. Last evaluated: 2025-08-17. Review status: criteria provided, single submitter. Criteria: Invitae Variant Classification Sherloc (09022015). Collection method: clinical testing. Allele origin: germline.
Comment: This sequence change replaces glutamic acid, which is acidic and polar, with lysine, which is basic and polar, at codon 1894 of the FBN1 protein (p.Glu1894Lys). This variant is not present in population databases (gnomAD no frequency). This missense change has been observed in individuals with Marfan syndrome (PMID: 18435798, 28941062, 37558401; internal data). ClinVar contains an entry for this variant (Variation ID: 381610). Invitae Evidence Modeling of protein sequence and biophysical properties (such as structural, functional, and spatial information, amino acid conservation, physicochemical variation, residue mobility, and thermodynamic stability) indicates that this missense variant is expected to disrupt FBN1 protein function with a positive predictive value of 95%. For these reasons, this variant has been classified as Pathogenic.

GeneDx
Classification: Likely pathogenic. Last evaluated: 2024-12-10. Review status: criteria provided, single submitter. Criteria: GeneDx Variant Classification Process June 2021. Collection method: clinical testing. Allele origin: germline. Affected: yes.
Comment: Not observed at significant frequency in large population cohorts (gnomAD); In silico analysis supports that this missense variant has a deleterious effect on protein structure/function; This variant is associated with the following publications: (PMID: 22772377, 28941062, 20591885, 37558401, 18435798)

Clinical Genetics Laboratory, Skane University Hospital Lund
Classification: Likely pathogenic. Last evaluated: 2022-05-27. Review status: criteria provided, single submitter. Criteria: ACMG Guidelines, 2015. Collection method: clinical testing. Allele origin: germline. Affected: yes.

Ambry Genetics
Classification: Likely pathogenic for Familial thoracic aortic aneurysm and aortic dissection. Last evaluated: 2017-12-28. Review status: criteria provided, single submitter. Criteria: Ambry Variant Classification Scheme 2023. Collection method: clinical testing. Allele origin: germline.
Comment: The p.E1894K variant (also known as c.5680G>A), located in coding exon 46 of the FBN1 gene, results from a G to A substitution at nucleotide position 5680. The glutamic acid at codon 1894 is replaced by lysine, an amino acid with some similar properties, and is located in the cbEGF-like #28 domain. This alteration has been detected in individuals reported to have Marfan syndrome (Attanasio M et al. Clin. Genet., 2008 Jul;74:39-46; Vatti L et al. Am. J. Med. Genet. A, 2017 Nov;173:2995-3002). In addition, internal structural analysis indicates this alteration would disrupt the calcium binding site and structure of the domain (Mayhew M et al. Protein Eng. 1992 Sep;5(6):489-94; Downing AK et al. Cell. 1996 May;85(4):597-605). This amino acid position is highly conserved in available vertebrate species. In addition, this alteration is predicted to be deleterious by in silico analysis. Based on the majority of available evidence to date, this variant is likely to be pathogenic.

Department of Laboratory Medicine and Genetics, Samsung Medical Center
Classification: Pathogenic for Marfan syndrome. Last evaluated: 2025-01-02. Review status: no assertion criteria provided. Collection method: clinical testing. Allele origin: germline. Not counted in ClinVar's aggregate classification.
Comment: The NM_000138.5:c.5680G>A is considered to be rare in the general population database (gnomAD v2.1.1). This variant is predicted to be deleterious by in-silico analysis (REVEL). This variant is located in functional domains. This variant was found in a patient with Marfan syndrome meeting revised Ghent criteria (PMID: 18435798). According to the ClinGen guidance for PP1/BS4 and PP4 criteria (PMID: 38103548), PP4 with weighted strength was applied. In summary, this variant was classified as a pathogenic variant for Marfan syndrome (PM1, PP2, PP3, PP4 with weighted strength, PM2_P).

Literature cited by the submitters: PubMed 18435798 (cited by 3 submitters); PubMed 28941062 (cited by Labcorp Genetics (formerly Invitae), Labcorp and Ambry Genetics); PubMed 37558401 (cited by Labcorp Genetics (formerly Invitae), Labcorp and Department of Laboratory Medicine and Genetics, Samsung Medical Center); PubMed 1438159 (cited by Ambry Genetics); PubMed 7606779 (cited by Ambry Genetics); PubMed 8653794 (cited by Ambry Genetics).